The following is an entry in ClinVar:

NM_005245.4(FAT1):c.7130C>T (p.Thr2377Met)

Gene: FAT1 (FAT atypical cadherin 1; minus strand). Cytogenetic location: 4q35.2.
Variant type: single nucleotide variant.
Coding change: c.7130C>T on transcript NM_005245.4 (MANE Select); coding-DNA position 7130, C replaced by T.
Protein change: p.Thr2377Met; replaces threonine 2377 with methionine.
Molecular consequence: missense variant.
Genome position (GRCh38, 1-based): chr4:186,619,456, G>A on the plus strand (C>T on the coding strand, the complement: FAT1 is on the minus strand). VCF-style: chr4-186619456-G-A. GRCh37 (hg19) VCF-style: chr4-187540610-G-A.
Other names: p.Thr2377Met; short protein forms T2377M.
Identifiers: ClinVar variation 1050086 (VCV001050086.35), dbSNP rs201363601, ClinGen allele CA3166118.

ClinVar aggregate classification (germline): Conflicting classifications of pathogenicity. Review status: criteria provided, conflicting classifications (1 of 4 stars). 6 submissions from 6 submitters: Uncertain significance (1); Likely benign (2). 3 of the submissions do not count toward it. Last evaluated 2025-12-22.

Conditions:
Autosomal dominant cerebellar ataxia. Also called: Spinocerebellar Ataxia, Dominant. Identifiers: Orphanet 99, MedGen C4087347, MONDO:0020380.
FAT1-related disorder. Also called: FAT1-related condition.

Allele frequency attached by ClinVar (database versions not stated): 1000 Genomes Project 30x 0.00016; 1000 Genomes Project 0.00020; ESP Exome Variant Server 0.00039; gnomAD 0.00064 and 0.00071; gnomAD exomes 0.00070 and 0.00092; ExAC 0.00071; TOPMed 0.00071.
gnomAD v4.1: 1,485 of 1,613,970 alleles (0.092%); highest among the groups gnomAD compares: East Asian, 0.14%; 1 homozygote.

Submissions (6):

Labcorp Genetics (formerly Invitae), Labcorp
Classification: Likely benign. Last evaluated: 2025-12-22. Review status: criteria provided, single submitter. Criteria: Invitae Variant Classification Sherloc (09022015). Collection method: clinical testing. Allele origin: germline.

Mayo Clinic Laboratories, Mayo Clinic
Classification: Likely benign. Last evaluated: 2025-10-10. Review status: criteria provided, single submitter. Criteria: ACMG Guidelines, 2015. Collection method: clinical testing. Allele origin: germline. Observed: 1 variant allele.
Comment: BS1, BP4

Blueprint Genetics
Classification: Uncertain significance. Last evaluated: 2024-10-15. Review status: criteria provided, single submitter. Criteria: ACMG Guidelines, 2015. Collection method: clinical testing. Allele origin: germline.

PreventionGenetics, part of Exact Sciences
Classification: Likely benign for FAT1-related condition. Last evaluated: 2023-06-07. Review status: no assertion criteria provided. Collection method: clinical testing. Allele origin: germline. Not counted in ClinVar's aggregate classification.
Comment: This variant is classified as likely benign based on ACMG/AMP sequence variant interpretation guidelines (Richards et al. 2015 PMID: 25741868, with internal and published modifications).

O&I group, Department of Genetics, University Medical Center of Groningen
Classification: Uncertain significance for Autosomal dominant cerebellar ataxia. Last evaluated: 2021-07-22. Review status: no assertion criteria provided. Collection method: research. Allele origin: unknown. Not counted in ClinVar's aggregate classification.

Department of Pathology and Laboratory Medicine, Sinai Health System
Classification: Uncertain significance. Review status: no assertion criteria provided. Collection method: clinical testing. Allele origin: unknown. Affected: yes. Study: The Canadian Open Genetics Repository (COGR). Not counted in ClinVar's aggregate classification.
Comment: The FAT1 p.Thr2377Met variant was not identified in the literature nor was it identified in ClinVar or Cosmic. The variant was identified in dbSNP (ID: rs201363601) and LOVD 3.0 (variant effect not shared). The variant was identified in control databases in 175 of 266066 chromosomes at a frequency of 0.0006577 increasing the likelihood this could be a low frequency benign variant (Genome Aggregation Database March 6, 2019, v2.1.1, non-cancer). The variant was observed in the following populations: East Asian in 38 of 18830 chromosomes (freq: 0.002018), Other in 8 of 6612 chromosomes (freq: 0.00121), European (non-Finnish) in 94 of 117390 chromosomes (freq: 0.000801), Latino in 14 of 35036 chromosomes (freq: 0.0004), European (Finnish) in 9 of 25006 chromosomes (freq: 0.00036), African in 6 of 22834 chromosomes (freq: 0.000263) and South Asian in 6 of 30506 chromosomes (freq: 0.000197), but was not observed in the Ashkenazi Jewish population. The p.Thr2377 residue is conserved in mammals but not in more distantly related organisms, and four out of five computational analyses (PolyPhen-2, SIFT, AlignGVGD, BLOSUM, MutationTaster) suggest that the variant may impact the protein; however, this information is not predictive enough to assume pathogenicity. The variant occurs outside of the splicing consensus sequence and in silico or computational prediction software programs (SpliceSiteFinder, MaxEntScan, NNSPLICE, GeneSplicer) do not predict a difference in splicing. In summary, based on the above information the clinical significance of this variant cannot be determined with certainty at this time. This variant is classified as a variant of uncertain significance.

Literature cited by the submitters: PubMed 32820033 (cited by Mayo Clinic Laboratories, Mayo Clinic); DOI 10.3389/fgene.2022.782685 (cited by O&I group, Department of Genetics, University Medical Center of Groningen).